The following is an entry in ClinVar:

ClinVar aggregate classification (germline): Uncertain significance (1 of 4 stars; one submission).

Conditions:
Congenital contractural arachnodactyly (CCA). Also called: BEALS SYNDROME; Arthrogryposis, distal, type 9; Beals-Hecht syndrome. Identifiers: Orphanet 115, MedGen C0220668, MONDO:0007363, OMIM 121050.

Allele frequency attached by ClinVar (database versions not stated): TOPMed below 0.00001; gnomAD exomes 0.00001.
gnomAD v4.1: 9 of 1,613,920 alleles (0.00056%); highest among the groups gnomAD compares: Non-Finnish European, 0.00068%; no homozygotes.

Submission:

Labcorp Genetics (formerly Invitae), Labcorp
Classification: Uncertain significance for Congenital contractural arachnodactyly. Last evaluated: 2024-07-25. Review status: criteria provided, single submitter. Criteria: Invitae Variant Classification Sherloc (09022015). Collection method: clinical testing. Allele origin: germline.
Comment: This sequence change replaces tyrosine, which is neutral and polar, with histidine, which is basic and polar, at codon 1580 of the FBN2 protein (p.Tyr1580His). This variant is not present in population databases (gnomAD no frequency). This variant has not been reported in the literature in individuals affected with FBN2-related conditions. ClinVar contains an entry for this variant (Variation ID: 411832). Advanced modeling of protein sequence and biophysical properties (such as structural, functional, and spatial information, amino acid conservation, physicochemical variation, residue mobility, and thermodynamic stability) performed at Invitae indicates that this missense variant is expected to disrupt FBN2 protein function with a positive predictive value of 80%. In summary, the available evidence is currently insufficient to determine the role of this variant in disease. Therefore, it has been classified as a Variant of Uncertain Significance.

NM_001999.4(FBN2):c.4738T>C (p.Tyr1580His)

Gene: FBN2 (fibrillin 2; minus strand). Cytogenetic location: 5q23.3.
Variant type: single nucleotide variant.
Coding change: c.4738T>C on transcript NM_001999.4 (MANE Select); coding-DNA position 4738, T replaced by C.
Protein change: p.Tyr1580His; replaces tyrosine 1580 with histidine.
Molecular consequence: missense variant.
Genome position (GRCh38, 1-based): chr5:128,312,775, A>G on the plus strand (T>C on the coding strand, the complement: FBN2 is on the minus strand). VCF-style: chr5-128312775-A-G. GRCh37 (hg19) VCF-style: chr5-127648467-A-G.
Other names: short protein forms Y1580H.
Identifiers: ClinVar variation 411832 (VCV000411832.9), dbSNP rs1060503508, ClinGen allele CA16611683.